The following is an entry in ClinVar:

NM_206933.4(USH2A):c.4757A>G (p.Gln1586Arg)

Gene: USH2A (usherin; minus strand). Cytogenetic location: 1q41.
Variant type: single nucleotide variant.
Coding change: c.4757A>G on transcript NM_206933.4 (MANE Select); coding-DNA position 4757, A replaced by G.
Protein change: p.Gln1586Arg; replaces glutamine 1586 with arginine.
Molecular consequence: missense variant.
Genome position (GRCh38, 1-based): chr1:216,097,084, T>C on the plus strand (A>G on the coding strand, the complement: USH2A is on the minus strand). VCF-style: chr1-216097084-T-C. GRCh37 (hg19) VCF-style: chr1-216270426-T-C.
Other names: short protein forms Q1586R.
Identifiers: ClinVar variation 1466417 (VCV001466417.6), dbSNP rs2102572708, ClinGen allele CA344860978.
Genomic context (GRCh38, chr1:216,097,084, plus strand): 5'-TCAGTACCAGGCACCTACTAAATTCTTAAAAATATTAAAGTTTATGATTTCTCATTTACC[T>C]GAGGATCAAAAAGAAAATAAAGACGTCCCTTCTTCAACTGAAGTGCAAAATACTCTTCCT-3'
Protein context (NP_996816.3, residues 1576-1596): KGRLYFLFDP[Gln1586Arg]GSPVEVTTTN

ClinVar aggregate classification (germline): Uncertain significance (1 of 4 stars; one submission).

Submission:

Labcorp Genetics (formerly Invitae), Labcorp
Classification: Uncertain significance. Last evaluated: 2022-08-09. Review status: criteria provided, single submitter. Criteria: Invitae Variant Classification Sherloc (09022015). Collection method: clinical testing. Allele origin: germline.
Comment: In summary, the available evidence is currently insufficient to determine the role of this variant in disease. Therefore, it has been classified as a Variant of Uncertain Significance. Algorithms developed to predict the effect of sequence changes on RNA splicing suggest that this variant may disrupt the consensus splice site. Algorithms developed to predict the effect of missense changes on protein structure and function (SIFT, PolyPhen-2, Align-GVGD) all suggest that this variant is likely to be disruptive. ClinVar contains an entry for this variant (Variation ID: 1466417). This variant has not been reported in the literature in individuals affected with USH2A-related conditions. This variant is not present in population databases (gnomAD no frequency). This sequence change replaces glutamine, which is neutral and polar, with arginine, which is basic and polar, at codon 1586 of the USH2A protein (p.Gln1586Arg).